The following is an entry in ClinVar:

NM_205768.3(ZBTB18):c.1361A>G (p.Lys454Arg)

Gene: ZBTB18 (zinc finger and BTB domain containing 18; plus strand). Cytogenetic location: 1q44.
Variant type: single nucleotide variant.
Coding change: c.1361A>G on transcript NM_205768.3 (MANE Select); coding-DNA position 1361, A replaced by G.
Protein change: p.Lys454Arg; replaces lysine 454 with arginine.
Molecular consequence: missense variant.
Genome position (GRCh38, 1-based): chr1:244,055,135, A>G. VCF-style: chr1-244055135-A-G. GRCh37 (hg19) VCF-style: chr1-244218437-A-G.
Other names: c.1334A>G, p.Lys445Arg (NM_001278196.2, NM_006352.5); c.*538A>G (NM_001421566.1); short protein forms K445R, K454R.
Identifiers: ClinVar variation 2575946 (VCV002575946.1), dbSNP rs2527561247, ClinGen allele CA345674952.
Genomic context (GRCh38, chr1:244,055,135, plus strand): 5'-TCAAGCGCCACGAGAGGACTCACTCGGGGGAGAAGCCCTACACATGCACCCAGTGCGGCA[A>G]GAGCTTCCAGTACTCGCACAACCTGAGCCGCCATGCCGTGGTGCACACCCGCGAGAAGCC-3'
Protein context (NP_991331.1, residues 444-464): EKPYTCTQCG[Lys454Arg]SFQYSHNLSR

ClinVar aggregate classification (germline): Likely pathogenic (1 of 4 stars; one submission).

Submission:

Institute for Clinical Genetics, University Hospital TU Dresden, University Hospital TU Dresden
Classification: Likely pathogenic. Last evaluated: 2022-02-17. Review status: criteria provided, single submitter. Criteria: ACMG Guidelines, 2015. Collection method: clinical testing. Allele origin: germline.
Comment: PS2, PM1, PM2_SUP